The following is an entry in ClinVar:

ClinVar aggregate classification (germline): Uncertain significance (1 of 4 stars; one submission).

Conditions:
Sulfite oxidase deficiency due to molybdenum cofactor deficiency type A. Also called: Molybdenum cofactor deficiency, complementation group A; Molybdenum Cofactor Deficiency A. Identifiers: Orphanet 308386, Orphanet 833, MedGen C1854988, MONDO:0009643, OMIM 252150.

Allele frequency attached by ClinVar (database versions not stated): ExAC 0.00003; gnomAD 0.00005; TOPMed 0.00005.
gnomAD v4.1: 110 of 1,613,872 alleles (0.0068%); highest among the groups gnomAD compares: East Asian, 0.018%; no homozygotes.

Submission:

Labcorp Genetics (formerly Invitae), Labcorp
Classification: Uncertain significance for Sulfite oxidase deficiency due to molybdenum cofactor deficiency type A. Last evaluated: 2022-09-08. Review status: criteria provided, single submitter. Criteria: Invitae Variant Classification Sherloc (09022015). Collection method: clinical testing. Allele origin: germline.
Comment: This sequence change replaces valine, which is neutral and non-polar, with methionine, which is neutral and non-polar, at codon 557 of the MOCS1 protein (p.Val557Met). This variant is present in population databases (rs770838431, gnomAD 0.02%). This variant has not been reported in the literature in individuals affected with MOCS1-related conditions. Algorithms developed to predict the effect of missense changes on protein structure and function are either unavailable or do not agree on the potential impact of this missense change (SIFT: "Not Available"; PolyPhen-2: "Benign"; Align-GVGD: "Not Available"). In summary, the available evidence is currently insufficient to determine the role of this variant in disease. Therefore, it has been classified as a Variant of Uncertain Significance.

NM_001358530.2(MOCS1):c.1669G>A (p.Val557Met)

Gene: MOCS1 (molybdenum cofactor synthesis 1; minus strand). Cytogenetic location: 6p21.2.
Variant type: single nucleotide variant.
Coding change: c.1669G>A on transcript NM_001358530.2 (MANE Select); coding-DNA position 1669, G replaced by A.
Protein change: p.Val557Met; replaces valine 557 with methionine.
Molecular consequence: missense variant. On other transcripts: 3 prime UTR variant (4), non-coding transcript variant (1).
Genome position (GRCh38, 1-based): chr6:39,906,599, C>T on the plus strand (G>A on the coding strand, the complement: MOCS1 is on the minus strand). VCF-style: chr6-39906599-C-T. GRCh37 (hg19) VCF-style: chr6-39874375-C-T.
Other names: c.*526G>A (NM_001075098.4, NM_001358533.2, NM_001358534.2 and 1 more transcripts); c.1621G>A, p.Val541Met (NM_001358529.2); c.1408G>A, p.Val470Met (NM_001358531.2); short protein forms V541M, V470M, V557M.
Identifiers: ClinVar variation 1974317 (VCV001974317.2), dbSNP rs770838431, ClinGen allele CA3795914.